The following is an entry in ClinVar:

ClinVar aggregate classification (germline): Uncertain significance (1 of 4 stars; one submission).

gnomAD v4.1: 1 of 1,476,692 alleles (0.000068%); highest among the groups gnomAD compares: Non-Finnish European, 0.00009%; no homozygotes.

Submission:

Labcorp Genetics (formerly Invitae), Labcorp
Classification: Uncertain significance. Last evaluated: 2025-11-25. Review status: criteria provided, single submitter. Criteria: Invitae Variant Classification Sherloc (09022015). Collection method: clinical testing. Allele origin: germline.
Comment: This sequence change replaces leucine, which is neutral and non-polar, with proline, which is neutral and non-polar, at codon 875 of the AP3D1 protein (p.Leu875Pro). This variant is not present in population databases (gnomAD no frequency). This variant has not been reported in the literature in individuals affected with AP3D1-related conditions. ClinVar contains an entry for this variant (Variation ID: 3664272). An algorithm developed to predict the effect of missense changes on protein structure and function (PolyPhen-2) suggests that this variant is likely to be disruptive. In summary, the available evidence is currently insufficient to determine the role of this variant in disease. Therefore, it has been classified as a Variant of Uncertain Significance.

NM_001261826.3(AP3D1):c.2624T>C (p.Leu875Pro)

Gene: AP3D1 (adaptor related protein complex 3 subunit delta 1; minus strand). Cytogenetic location: 19p13.3.
Variant type: single nucleotide variant.
Coding change: c.2624T>C on transcript NM_001261826.3 (MANE Select); coding-DNA position 2624, T replaced by C.
Protein change: p.Leu875Pro; replaces leucine 875 with proline.
Molecular consequence: missense variant. On other transcripts: intron variant (1).
Genome position (GRCh38, 1-based): chr19:2,113,391, A>G on the plus strand (T>C on the coding strand, the complement: AP3D1 is on the minus strand). VCF-style: chr19-2113391-A-G. GRCh37 (hg19) VCF-style: chr19-2113390-A-G.
Other names: c.2624T>C, p.Leu875Pro (NM_001374799.1); c.2601+734T>C (NM_003938.8); short protein forms L875P.
Identifiers: ClinVar variation 3664272 (VCV003664272.2).
Genomic context (GRCh38, chr19:2,113,391, plus strand): 5'-CTTACCGTGGATGGAACGGGGGCGGGGGCGGGGGCGGGGGCAGGCGGTGGGGTGGTAGAC[A>G]GCCAGAAGTCCAGGTCCTCAGCCTGAAACCACAAGACAGGCTGTCAGCAAACGCAGTGCA-3'
Protein context (NP_001248755.1, residues 865-885): EKKAEDLDFW[Leu875Pro]STTPPPAPAP